The following is an entry in ClinVar:

NM_000478.6(ALPL):c.923C>G (p.Ser308Ter)

Gene: ALPL (alkaline phosphatase, biomineralization associated; plus strand). Cytogenetic location: 1p36.12.
Variant type: single nucleotide variant.
Coding change: c.923C>G on transcript NM_000478.6 (MANE Select); coding-DNA position 923, C replaced by G.
Protein change: p.Ser308Ter; replaces serine 308 with a stop codon.
Molecular consequence: nonsense.
Genome position (GRCh38, 1-based): chr1:21,573,725, C>G. VCF-style: chr1-21573725-C-G. GRCh37 (hg19) VCF-style: chr1-21900218-C-G.
Other names: c.758C>G, p.Ser253Ter (NM_001127501.4); c.692C>G, p.Ser231Ter (NM_001177520.3); c.923C>G, p.Ser308Ter (NM_001369803.2, NM_001369804.2, NM_001369805.2); short protein forms S231*, S253*, S308*.
Identifiers: ClinVar variation 661538 (VCV000661538.6), dbSNP rs376221105, ClinGen allele CA338880292.

ClinVar aggregate classification (germline): Pathogenic (1 of 4 stars; one submission).

gnomAD v4.1: 1 of 1,614,144 alleles (0.000062%); highest among the groups gnomAD compares: Non-Finnish European, 0.000085%; no homozygotes.

Submission:

Labcorp Genetics (formerly Invitae), Labcorp
Classification: Pathogenic. Last evaluated: 2022-02-09. Review status: criteria provided, single submitter. Criteria: Invitae Variant Classification Sherloc (09022015). Collection method: clinical testing. Allele origin: germline.
Comment: This sequence change creates a premature translational stop signal (p.Ser308*) in the ALPL gene. It is expected to result in an absent or disrupted protein product. Loss-of-function variants in ALPL are known to be pathogenic (PMID: 3174660, 10679946, 19500388). This variant is not present in population databases (gnomAD no frequency). This variant has not been reported in the literature in individuals affected with ALPL-related conditions. ClinVar contains an entry for this variant (Variation ID: 661538). For these reasons, this variant has been classified as Pathogenic.

Literature cited by the submitters: PubMed 3174660; PubMed 10679946; PubMed 19500388.